The following is an entry in ClinVar:

ClinVar aggregate classification (germline): Uncertain significance (1 of 4 stars; one submission).

gnomAD v4.1: 17 of 1,208,900 alleles (0.0014%); highest among the groups gnomAD compares: Non-Finnish European, 0.0017%; no homozygotes.

Submission:

GeneDx
Classification: Uncertain significance. Last evaluated: 2023-10-11. Review status: criteria provided, single submitter. Criteria: GeneDx Variant Classification Process June 2021. Collection method: clinical testing. Allele origin: germline. Affected: yes.
Comment: Not observed at significant frequency in large population cohorts (gnomAD); In silico analysis supports that this missense variant has a deleterious effect on protein structure/function; Has not been previously published as pathogenic or benign to our knowledge

NM_002024.6(FMR1):c.1382A>G (p.Tyr461Cys)

Gene: FMR1 (fragile X messenger ribonucleoprotein 1; plus strand). Cytogenetic location: Xq27.3.
Variant type: single nucleotide variant.
Coding change: c.1382A>G on transcript NM_002024.6 (MANE Select); coding-DNA position 1382, A replaced by G.
Protein change: p.Tyr461Cys; replaces tyrosine 461 with cysteine.
Molecular consequence: missense variant. On other transcripts: intron variant (2).
Genome position (GRCh38, 1-based): chrX:147,943,237, A>G. VCF-style: chrX-147943237-A-G. GRCh37 (hg19) VCF-style: chrX-147024757-A-G.
Other names: c.1319A>G, p.Tyr440Cys (NM_001185076.2, NM_001185082.2); c.1276-1707A>G (NM_001185075.2); c.1213-1707A>G (NM_001185081.2); short protein forms Y440C, Y461C.
Identifiers: ClinVar variation 3366032 (VCV003366032.1).